The following is an entry in ClinVar:

ClinVar aggregate classification (germline): Uncertain significance (1 of 4 stars; one submission).

Allele frequency attached by ClinVar (database versions not stated): gnomAD exomes below 0.00001; TOPMed below 0.00001.
gnomAD v4.1: 1 of 1,614,216 alleles (0.000062%); highest among the groups gnomAD compares: Non-Finnish European, 0.000085%; no homozygotes.

Submission:

GeneDx
Classification: Uncertain significance. Last evaluated: 2023-02-11. Review status: criteria provided, single submitter. Criteria: GeneDx Variant Classification Process June 2021. Collection method: clinical testing. Allele origin: germline. Affected: yes.
Comment: Not observed at significant frequency in large population cohorts (gnomAD); In silico analysis supports that this missense variant has a deleterious effect on protein structure/function; Has not been previously published as pathogenic or benign to our knowledge

NM_005097.4(LGI1):c.1130A>C (p.Tyr377Ser)

Gene: LGI1 (leucine rich glioma inactivated 1; plus strand). Cytogenetic location: 10q23.33.
Variant type: single nucleotide variant.
Coding change: c.1130A>C on transcript NM_005097.4 (MANE Select); coding-DNA position 1130, A replaced by C.
Protein change: p.Tyr377Ser; replaces tyrosine 377 with serine.
Molecular consequence: missense variant. On other transcripts: non-coding transcript variant (1), intron variant (1).
Genome position (GRCh38, 1-based): chr10:93,797,259, A>C. VCF-style: chr10-93797259-A-C. GRCh37 (hg19) VCF-style: chr10-95557016-A-C.
Other names: c.986A>C, p.Tyr329Ser (NM_001308276.2); c.839-490A>C (NM_001308275.2); short protein forms Y329S, Y377S.
Identifiers: ClinVar variation 2575844 (VCV002575844.1), dbSNP rs2059988873, ClinGen allele CA377627844.